The following is an entry in ClinVar:

NM_130468.4(CHST14):c.710A>G (p.Tyr237Cys)

Gene: CHST14 (carbohydrate sulfotransferase 14; plus strand). Cytogenetic location: 15q15.1.
Variant type: single nucleotide variant.
Coding change: c.710A>G on transcript NM_130468.4 (MANE Select); coding-DNA position 710, A replaced by G.
Protein change: p.Tyr237Cys; replaces tyrosine 237 with cysteine.
Molecular consequence: missense variant.
Genome position (GRCh38, 1-based): chr15:40,471,923, A>G. VCF-style: chr15-40471923-A-G. GRCh37 (hg19) VCF-style: chr15-40764122-A-G.
Other names: short protein forms Y237C.
Identifiers: ClinVar variation 2566473 (VCV002566473.2), dbSNP rs1344606912, ClinGen allele CA391766741.
Genomic context (GRCh38, chr15:40,471,923, plus strand): 5'-AACGCCTCCTCTCTGCCTACCGCAACAAGTTTGGCGAGATCCGAGAGTACCAGCAACGCT[A>G]TGGGGCTGAGATAGTGAGGCGGTACAGGGCTGGAGCGGGGCCCAGCCCTGCAGGCGACGA-3'
Protein context (NP_569735.1, residues 227-247): FGEIREYQQR[Tyr237Cys]GAEIVRRYRA

ClinVar aggregate classification (germline): Uncertain significance (1 of 4 stars; one submission).

Conditions:
Cardiovascular phenotype. Identifiers: MedGen CN230736.

Submission:

Ambry Genetics
Classification: Uncertain significance for Cardiovascular phenotype. Last evaluated: 2023-03-26. Review status: criteria provided, single submitter. Criteria: Ambry Variant Classification Scheme 2023. Collection method: clinical testing. Allele origin: germline.
Comment: The p.Y237C variant (also known as c.710A>G), located in coding exon 1 of the CHST14 gene, results from an A to G substitution at nucleotide position 710. The tyrosine at codon 237 is replaced by cysteine, an amino acid with highly dissimilar properties. This amino acid position is conserved. In addition, this alteration is predicted to be deleterious by in silico analysis. Since supporting evidence is limited at this time, the clinical significance of this alteration remains unclear.